The following is an entry in ClinVar:

ClinVar aggregate classification (germline): Benign. Review status: criteria provided, multiple submitters, no conflicts (2 of 4 stars). 3 submissions from 3 submitters: Benign (3). Last evaluated 2025-03-31.

Conditions:
Familial acute necrotizing encephalopathy (IIAE3). Also called: ENCEPHALOPATHY, ACUTE, INFECTION-INDUCED, SUSCEPTIBILITY TO, 3; Susceptibility to Acute Necrotizing Encephalopathy 1. Identifiers: Orphanet 88619, MedGen C2675556, MONDO:0011953, OMIM 608033.

Allele frequency attached by ClinVar (database versions not stated): ExAC 0.02123; gnomAD 0.04344 and 0.04653; 1000 Genomes Project 0.04673; TOPMed 0.04729; ESP Exome Variant Server 0.04762; 1000 Genomes Project 30x 0.05137.
gnomAD v4.1: 13,972 of 1,597,440 alleles (0.87%); highest among the groups gnomAD compares: African/African-American, 15%; 911 homozygotes.

Submissions (3):

Labcorp Genetics (formerly Invitae), Labcorp
Classification: Benign for Familial acute necrotizing encephalopathy. Last evaluated: 2025-03-31. Review status: criteria provided, single submitter. Criteria: Invitae Variant Classification Sherloc (09022015). Collection method: clinical testing. Allele origin: germline.

GeneDx
Classification: Benign. Last evaluated: 2016-01-28. Review status: criteria provided, single submitter. Criteria: GeneDx Variant Classification (06012015). Collection method: clinical testing. Allele origin: germline. Affected: yes.
Comment: This variant is considered likely benign or benign based on one or more of the following criteria: it is a conservative change, it occurs at a poorly conserved position in the protein, it is predicted to be benign by multiple in silico algorithms, and/or has population frequency not consistent with disease.

Breakthrough Genomics
Classification: Benign. Review status: criteria provided, single submitter. Criteria: ACMG Guidelines, 2015. Collection method: not provided. Allele origin: germline. Inheritance: Autosomal dominant inheritance. Affected: yes.

NM_006267.5(RANBP2):c.72+11C>G

Gene: RANBP2 (RAN binding protein 2; plus strand). Cytogenetic location: 2q13.
Variant type: single nucleotide variant.
Coding change: c.72+11C>G on transcript NM_006267.5 (MANE Select); 11 bases into the intron after coding-DNA position 72, C replaced by G.
Molecular consequence: intron variant.
Genome position (GRCh38, 1-based): chr2:108,719,689, C>G. VCF-style: chr2-108719689-C-G. GRCh37 (hg19) VCF-style: chr2-109336145-C-G.
Identifiers: ClinVar variation 380105 (VCV000380105.9), dbSNP rs113447280, ClinGen allele CA1821877.